The following is an entry in ClinVar:

ClinVar aggregate classification (germline): Uncertain significance (1 of 4 stars; one submission).

gnomAD v4.1: 2 of 1,613,952 alleles (0.00012%); highest among the groups gnomAD compares: Non-Finnish European, 0.00017%; no homozygotes.

Submission:

Dasa
Classification: Uncertain significance. Last evaluated: 2024-12-26. Review status: criteria provided, single submitter. Criteria: DASA Assertion Criteria. Collection method: clinical testing. Allele origin: germline.
Comment: NM_001332.4(CTNND2):c.260C>T (p.Ser87Phe) is a missense variant that results in the substitution of serine with phenylalanine. This variant is rare in population databases. The currently available literature and clinical evidence are not sufficient to establish a definitive association between this variant and the reported condition. Therefore, this variant is classified as a variant of uncertain significance.

NM_001332.4(CTNND2):c.260C>T (p.Ser87Phe)

Gene: CTNND2 (catenin delta 2; minus strand). Cytogenetic location: 5p15.2.
Variant type: single nucleotide variant.
Coding change: c.260C>T on transcript NM_001332.4 (MANE Select); coding-DNA position 260, C replaced by T.
Protein change: p.Ser87Phe; replaces serine 87 with phenylalanine.
Molecular consequence: missense variant. On other transcripts: 5 prime UTR variant (4), non-coding transcript variant (1).
Genome position (GRCh38, 1-based): chr5:11,564,971, G>A on the plus strand (C>T on the coding strand, the complement: CTNND2 is on the minus strand). VCF-style: chr5-11564971-G-A. GRCh37 (hg19) VCF-style: chr5-11565083-G-A.
Other names: c.-14C>T (NM_001288715.1, NM_001288716.1, NM_001364128.2); c.-475C>T (NM_001288717.2); short protein forms S87F.
Identifiers: ClinVar variation 4886723 (VCV004886723.2).